The following is an entry in ClinVar:

NM_001170700.3(DTHD1):c.2354T>G (p.Ile785Ser)

Gene: DTHD1 (death domain containing 1; plus strand). Cytogenetic location: 4p14.
Variant type: single nucleotide variant.
Coding change: c.2354T>G on transcript NM_001170700.3 (MANE Select); coding-DNA position 2354, T replaced by G.
Protein change: p.Ile785Ser; replaces isoleucine 785 with serine.
Molecular consequence: missense variant. On other transcripts: non-coding transcript variant (1), intron variant (1).
Genome position (GRCh38, 1-based): chr4:36,339,125, T>G. VCF-style: chr4-36339125-T-G. GRCh37 (hg19) VCF-style: chr4-36340747-T-G.
Other names: c.1484T>G, p.Ile495Ser (NM_001136536.5); c.1408-4377T>G (NM_001378435.1); short protein forms I785S, I495S.
Identifiers: ClinVar variation 1354429 (VCV001354429.8), dbSNP rs577534478, ClinGen allele CA95809776.

ClinVar aggregate classification (germline): Uncertain significance (1 of 4 stars; one submission).

Allele frequency attached by ClinVar (database versions not stated): gnomAD 0.00001; 1000 Genomes Project 30x 0.00016; 1000 Genomes Project 0.00020.
gnomAD v4.1: 1 of 1,547,886 alleles (0.000065%); highest among the groups gnomAD compares: East Asian, 0.0025%; no homozygotes.

Submission:

Labcorp Genetics (formerly Invitae), Labcorp
Classification: Uncertain significance. Last evaluated: 2022-07-12. Review status: criteria provided, single submitter. Criteria: Invitae Variant Classification Sherloc (09022015). Collection method: clinical testing. Allele origin: germline.
Comment: This sequence change replaces isoleucine, which is neutral and non-polar, with serine, which is neutral and polar, at codon 495 of the DTHD1 protein (p.Ile495Ser). In summary, the available evidence is currently insufficient to determine the role of this variant in disease. Therefore, it has been classified as a Variant of Uncertain Significance. Algorithms developed to predict the effect of missense changes on protein structure and function (SIFT, PolyPhen-2, Align-GVGD) all suggest that this variant is likely to be disruptive. ClinVar contains an entry for this variant (Variation ID: 1354429). This variant has not been reported in the literature in individuals affected with DTHD1-related conditions. This variant is not present in population databases (gnomAD no frequency).